The following is an entry in ClinVar:

NM_001844.5(COL2A1):c.2647C>T (p.Pro883Ser)

Gene: COL2A1 (collagen type II alpha 1 chain; minus strand). Cytogenetic location: 12q13.11.
Variant type: single nucleotide variant.
Coding change: c.2647C>T on transcript NM_001844.5 (MANE Select); coding-DNA position 2647, C replaced by T.
Protein change: p.Pro883Ser; replaces proline 883 with serine.
Molecular consequence: missense variant.
Genome position (GRCh38, 1-based): chr12:47,980,041, G>A on the plus strand (C>T on the coding strand, the complement: COL2A1 is on the minus strand). VCF-style: chr12-47980041-G-A. GRCh37 (hg19) VCF-style: chr12-48373824-G-A.
Other names: c.2440C>T, p.Pro814Ser (NM_033150.3); short protein forms P883S, P814S.
Identifiers: ClinVar variation 2118416 (VCV002118416.4), dbSNP rs1938960615, ClinGen allele CA384544268.
Genomic context (GRCh38, chr12:47,980,041, plus strand): 5'-AGGGTGGGGTGTCAGAGGCCTCACTCACCGGGGGGCCTTGGGCACCTCGGGCTCCTTTAG[G>A]ACCAGTCACTCCAGTAGGACCCTGGAAAGGAAAGAGGGAGACAGTGAGGCCCAGTGGCCC-3'
Protein context (NP_001835.3, residues 873-893): GPQGPTGVTG[Pro883Ser]KGARGAQGPP

ClinVar aggregate classification (germline): Uncertain significance (1 of 4 stars; one submission).

Allele frequency attached by ClinVar (database versions not stated): gnomAD exomes below 0.00001.
gnomAD v4.1: 1 of 1,555,554 alleles (0.000064%); highest among the groups gnomAD compares: South Asian, 0.0012%; no homozygotes.

Submission:

Labcorp Genetics (formerly Invitae), Labcorp
Classification: Uncertain significance. Last evaluated: 2025-01-15. Review status: criteria provided, single submitter. Criteria: Invitae Variant Classification Sherloc (09022015). Collection method: clinical testing. Allele origin: germline.
Comment: This sequence change replaces proline, which is neutral and non-polar, with serine, which is neutral and polar, at codon 883 of the COL2A1 protein (p.Pro883Ser). This variant is not present in population databases (gnomAD no frequency). This variant has not been reported in the literature in individuals affected with COL2A1-related conditions. ClinVar contains an entry for this variant (Variation ID: 2118416). Invitae Evidence Modeling of protein sequence and biophysical properties (such as structural, functional, and spatial information, amino acid conservation, physicochemical variation, residue mobility, and thermodynamic stability) has been performed for this missense variant. However, the output from this modeling did not meet the statistical confidence thresholds required to predict the impact of this variant on COL2A1 protein function. In summary, the available evidence is currently insufficient to determine the role of this variant in disease. Therefore, it has been classified as a Variant of Uncertain Significance.